The following is an entry in ClinVar:

NM_020631.4(PLEKHG5):c.*1158G>C

Gene: PLEKHG5 (pleckstrin homology and RhoGEF domain containing G5; minus strand). Cytogenetic location: 1p36.31.
Variant type: single nucleotide variant.
Coding change: c.*1158G>C on transcript NM_020631.4; 1158 bases downstream of the stop codon, G replaced by C.
Genome position (GRCh38, 1-based): chr1:6,466,405, C>G on the plus strand (G>C on the coding strand, the complement: PLEKHG5 is on the minus strand). VCF-style: chr1-6466405-C-G. GRCh37 (hg19) VCF-style: chr1-6526465-C-G.
Identifiers: ClinVar variation 297912 (VCV000297912.8), dbSNP rs2986754, ClinGen allele CA10611550.

ClinVar aggregate classification (germline): Benign. Review status: criteria provided, multiple submitters, no conflicts (2 of 4 stars). 2 submissions from 2 submitters: Benign (2). Last evaluated 2018-01-13.

Conditions:
Neuronopathy, distal hereditary motor, autosomal recessive 4. Also called: Autosomal recessive lower motor neuron disease with childhood onset; NEUROPATHY, DISTAL HEREDITARY MOTOR, AUTOSOMAL RECESSIVE 4. Identifiers: Orphanet 206580, MedGen C1970211, MONDO:0012608, OMIM 611067.

Allele frequency attached by ClinVar (database versions not stated): TOPMed 0.20932; 1000 Genomes Project 30x 0.21736; 1000 Genomes Project 0.20427.

Submissions (2):

Illumina Laboratory Services, Illumina
Classification: Benign for Neuronopathy, distal hereditary motor, autosomal recessive 4. Last evaluated: 2018-01-13. Review status: criteria provided, single submitter. Criteria: ICSL Variant Classification Criteria 13 December 2019. Collection method: clinical testing. Allele origin: germline.
Comment: This variant was observed in the ICSL laboratory as part of a predisposition screen in an ostensibly healthy population. It had not been previously curated by ICSL or reported in the Human Gene Mutation Database (HGMD: prior to June 1st, 2018), and was therefore a candidate for classification through an automated scoring system. Utilizing variant allele frequency, disease prevalence and penetrance estimates, and inheritance mode, an automated score was calculated to assess if this variant is too frequent to cause the disease. Based on the score and internal cut-off values, a variant classified as benign is not then subjected to further curation. The score for this variant resulted in a classification of benign for this disease.

Breakthrough Genomics
Classification: Benign. Review status: criteria provided, single submitter. Criteria: ACMG Guidelines, 2015. Collection method: not provided. Allele origin: germline. Inheritance: Autosomal recessive inheritance. Affected: yes.